The following is an entry in ClinVar:

NC_000022.10:g.(?_32180780)_(32302503_?)del

Gene: DEPDC5 (DEP domain containing 5, GATOR1 subcomplex subunit; plus strand). Cytogenetic location: 22q12.2-12.3.
Variant type: Deletion.
Identifiers: ClinVar variation 1069168 (VCV001069168.8).

ClinVar aggregate classification (germline): Pathogenic (1 of 4 stars; one submission).

Conditions:
Familial focal epilepsy with variable foci (FPEVF). Identifiers: Orphanet 98820, MedGen C1858477, MONDO:0020310.

Submission:

Labcorp Genetics (formerly Invitae), Labcorp
Classification: Pathogenic for Familial focal epilepsy with variable foci. Last evaluated: 2022-07-12. Review status: criteria provided, single submitter. Criteria: Invitae Variant Classification Sherloc (09022015). Collection method: clinical testing. Allele origin: germline.
Comment: For these reasons, this variant has been classified as Pathogenic. This variant disrupts a region of the DEPDC5 protein in which other variant(s) (p.Gln1536*) have been determined to be pathogenic (PMID: 23542697, 25366275). This suggests that this is a clinically significant region of the protein, and that variants that disrupt it are likely to be disease-causing. This variant has not been reported in the literature in individuals affected with DEPDC5-related conditions. This variant is a gross deletion of the genomic region encompassing exon(s) 10-43 of the DEPDC5 gene, which includes the termination codon. This deletion extends beyond the assayed region for this gene and therefore may encompass additional genes. While this deletion is not anticipated to lead to nonsense mediated decay, it is expected to alter mRNA translation or result in a truncated protein product.

Literature cited by the submitters: PubMed 23542697; PubMed 25366275.